The following is an entry in ClinVar:

ClinVar aggregate classification (germline): Uncertain significance (1 of 4 stars; one submission).

Conditions:
ADCY3-related disorder. Also called: ADCY3-related condition.

gnomAD v4.1: 23 of 1,614,034 alleles (0.0014%); highest among the groups gnomAD compares: Non-Finnish European, 0.0019%; no homozygotes.

Submission:

PreventionGenetics, part of Exact Sciences
Classification: Uncertain significance for ADCY3-related condition. Last evaluated: 2025-08-12. Review status: criteria provided, single submitter. Criteria: ACMG Guidelines, 2015. Collection method: clinical testing. Allele origin: germline.
Comment: The ADCY3 c.1839G>A variant is predicted to result in the amino acid substitution p.Met613Ile. To our knowledge, this variant has not been reported in the literature. This variant is reported in 0.0046% of alleles in individuals of European (non-Finnish) descent in gnomAD. At this time, the clinical significance of this variant is uncertain due to the absence of conclusive functional and genetic evidence.

NM_004036.5(ADCY3):c.1839G>A (p.Met613Ile)

Gene: ADCY3 (adenylate cyclase 3; minus strand). Cytogenetic location: 2p23.3.
Variant type: single nucleotide variant.
Coding change: c.1839G>A on transcript NM_004036.5 (MANE Select); coding-DNA position 1839, G replaced by A.
Protein change: p.Met613Ile; replaces methionine 613 with isoleucine.
Molecular consequence: missense variant.
Genome position (GRCh38, 1-based): chr2:24,834,613, C>T on the plus strand (G>A on the coding strand, the complement: ADCY3 is on the minus strand). VCF-style: chr2-24834613-C-T. GRCh37 (hg19) VCF-style: chr2-25057482-C-T.
Other names: c.1839G>A, p.Met613Ile (NM_001320613.2, NM_001377129.1, NM_001377130.1 and 1 more transcripts); c.1905G>A, p.Met635Ile (NM_001377128.1); c.1116G>A, p.Met372Ile (NM_001377131.1); short protein forms M372I, M613I, M635I.
Identifiers: ClinVar variation 4981890 (VCV004981890.1).
Genomic context (GRCh38, chr2:24,834,613, plus strand): 5'-CCCACTCTGCTTCTCCTTCTCCACCGAGTAGCGGGTTTCCATCTCGGGGTCCATGAACCG[C>T]ATGGACAAGAGGAAGGTGTTTCTCTTCTTTACTCTGCAGTGGGAACAAGCCCCATGAATC-3'
Protein context (NP_004027.2, residues 603-623): VKKRNTFLLS[Met613Ile]RFMDPEMETR